The following is an entry in ClinVar:

ClinVar aggregate classification (germline): Uncertain significance (1 of 4 stars; one submission).

Conditions:
Familial hypocalciuric hypercalcemia (FHH). Also called: Familial benign hypercalcemia. Identifiers: Orphanet 405, MedGen C1809471, MONDO:0018458.
Autosomal dominant hypocalcemia 1 (HYPOC1). Also called: HYPOCALCEMIA, FAMILIAL. Identifiers: MedGen C3715128, MONDO:0011013, OMIM 601198.

Allele frequency attached by ClinVar (database versions not stated): gnomAD exomes below 0.00001.
gnomAD v4.1: 2 of 1,614,184 alleles (0.00012%); highest among the groups gnomAD compares: Non-Finnish European, 0.00017%; no homozygotes.

Submission:

Labcorp Genetics (formerly Invitae), Labcorp
Classification: Uncertain significance for Familial hypocalciuric hypercalcemia; Autosomal dominant hypocalcemia 1. Last evaluated: 2021-10-01. Review status: criteria provided, single submitter. Criteria: Invitae Variant Classification Sherloc (09022015). Collection method: clinical testing. Allele origin: germline.
Comment: This variant has not been reported in the literature in individuals affected with CASR-related conditions. This variant is not present in population databases (ExAC no frequency). This sequence change replaces methionine with valine at codon 987 of the CASR protein (p.Met987Val). The methionine residue is moderately conserved and there is a small physicochemical difference between methionine and valine. Algorithms developed to predict the effect of missense changes on protein structure and function output the following: SIFT: "Tolerated"; PolyPhen-2: "Benign"; Align-GVGD: "Class C0". The valine amino acid residue is found in multiple mammalian species, which suggests that this missense change does not adversely affect protein function. In summary, the available evidence is currently insufficient to determine the role of this variant in disease. Therefore, it has been classified as a Variant of Uncertain Significance.

NM_000388.4(CASR):c.2959A>G (p.Met987Val)

Gene: CASR (calcium sensing receptor; plus strand). Cytogenetic location: 3q21.1.
Variant type: single nucleotide variant.
Coding change: c.2959A>G on transcript NM_000388.4 (MANE Select); coding-DNA position 2959, A replaced by G.
Protein change: p.Met987Val; replaces methionine 987 with valine.
Molecular consequence: missense variant.
Genome position (GRCh38, 1-based): chr3:122,284,913, A>G. VCF-style: chr3-122284913-A-G. GRCh37 (hg19) VCF-style: chr3-122003760-A-G.
Other names: c.2989A>G, p.Met997Val (NM_001178065.2); short protein forms M987V, M997V.
Identifiers: ClinVar variation 1467944 (VCV001467944.6), dbSNP rs2107651596, ClinGen allele CA354161146.